The following is an entry in ClinVar:

NM_000093.5(COL5A1):c.3258G>A (p.Ala1086=)

Gene: COL5A1 (collagen type V alpha 1 chain; plus strand). Cytogenetic location: 9q34.3.
Variant type: single nucleotide variant.
Coding change: c.3258G>A on transcript NM_000093.5 (MANE Select); coding-DNA position 3258, G replaced by A.
Protein change: p.Ala1086=; no amino-acid change (alanine 1086 retained).
Molecular consequence: synonymous variant.
Genome position (GRCh38, 1-based): chr9:134,805,214, G>A. VCF-style: chr9-134805214-G-A. GRCh37 (hg19) VCF-style: chr9-137697060-G-A.
Other names: p.A1086A:GCG>GCA; c.3258G>A, p.Ala1086= (NM_001278074.1).
Identifiers: ClinVar variation 212959 (VCV000212959.20), dbSNP rs372844807, ClinGen allele CA320807.

ClinVar aggregate classification (germline): Conflicting classifications of pathogenicity. Review status: criteria provided, conflicting classifications (1 of 4 stars). 5 submissions from 5 submitters: Likely pathogenic (1); Uncertain significance (3); Likely benign (1). Last evaluated 2025-12-14.

Conditions:
Ehlers-Danlos syndrome, classic type, 1 (EDSCL1). Also called: Ehlers-Danlos Syndrome, Classic Type, COL5A1-Related; EHLERS-DANLOS SYNDROME, GRAVIS TYPE; EHLERS-DANLOS SYNDROME, SEVERE CLASSIC TYPE; Ehlers-Danlos syndrome, type 1; EDS I. Identifiers: MedGen C0268335, MONDO:0019567, OMIM 130000.
Familial thoracic aortic aneurysm and aortic dissection (TAAD). Also called: Thoracic aortic aneurysms and dissections. Identifiers: Orphanet 91387, MedGen C4707243, MONDO:0019625.

Allele frequency attached by ClinVar (database versions not stated): gnomAD 0.00006; gnomAD exomes 0.00006; TOPMed 0.00008; ExAC 0.00008; ESP Exome Variant Server 0.00008.
gnomAD v4.1: 67 of 1,613,776 alleles (0.0042%); highest among the groups gnomAD compares: African/African-American, 0.013%; no homozygotes.

Submissions (5):

Labcorp Genetics (formerly Invitae), Labcorp
Classification: Likely pathogenic for Ehlers-Danlos syndrome, classic type, 1. Last evaluated: 2025-12-14. Review status: criteria provided, single submitter. Criteria: Invitae Variant Classification Sherloc (09022015). Collection method: clinical testing. Allele origin: germline.
Comment: This sequence change affects codon 1086 of the COL5A1 mRNA. It is a 'silent' change, meaning that it does not change the encoded amino acid sequence of the COL5A1 protein. This variant also falls at the last nucleotide of exon 41, which is part of the consensus splice site for this exon. This variant is present in population databases (rs372844807, gnomAD 0.02%). This variant has been observed in individual(s) with clinical features of COL5A1-related conditions (internal data). ClinVar contains an entry for this variant (Variation ID: 212959). Variants that disrupt the consensus splice site are a relatively common cause of aberrant splicing (PMID: 17576681, 9536098). Algorithms developed to predict the effect of sequence changes on RNA splicing suggest that this variant may disrupt the consensus splice site. In summary, the currently available evidence indicates that the variant is pathogenic, but additional data are needed to prove that conclusively. Therefore, this variant has been classified as Likely Pathogenic.

Women's Health and Genetics/Laboratory Corporation of America, LabCorp
Classification: Uncertain significance. Last evaluated: 2025-10-24. Review status: criteria provided, single submitter. Criteria: LabCorp Variant Classification Summary - May 2015. Collection method: clinical testing. Allele origin: germline.
Comment: Variant summary: COL5A1 c.3258G>A (p.Ala1086Ala) alters a conserved nucleotide located close to a canonical splice site and therefore could affect mRNA splicing, leading to a significantly altered protein sequence. Several computational tools predict a significant impact on normal splicing: Three predict the variant weakens a 5' donor site. However, these predictions have yet to be confirmed by functional studies. The variant allele was found at a frequency of 6.4e-05 in 251394 control chromosomes, predominantly at a frequency of 0.00031 within the African or African-American subpopulation in the gnomAD database. The available data on variant occurrences in the general population are insufficient to allow any conclusion about variant significance. To our knowledge, no occurrence of c.3258G>A in individuals affected with COL5A1-related conditions and no experimental evidence demonstrating its impact on protein function have been reported. ClinVar contains an entry for this variant (Variation ID: 212959). Based on the evidence outlined above, the variant was classified as uncertain significance.

Molecular Diagnostic Laboratory for Inherited Cardiovascular Disease, Montreal Heart Institute
Classification: Likely benign. Last evaluated: 2025-07-24. Review status: criteria provided, single submitter. Criteria: ACMG Guidelines, 2015. Collection method: clinical testing. Allele origin: germline. Affected: no.

GeneDx
Classification: Uncertain significance. Last evaluated: 2024-04-22. Review status: criteria provided, single submitter. Criteria: GeneDx Variant Classification Process June 2021. Collection method: clinical testing. Allele origin: germline. Affected: yes.
Comment: Has not been previously published as pathogenic or benign to our knowledge; In silico analysis is inconclusive as to whether the variant alters gene splicing. In the absence of RNA/functional studies, the actual effect of this sequence change is unknown.

Ambry Genetics
Classification: Uncertain significance for Familial thoracic aortic aneurysm and aortic dissection. Last evaluated: 2023-03-08. Review status: criteria provided, single submitter. Criteria: Ambry Variant Classification Scheme 2023. Collection method: clinical testing. Allele origin: germline.
Comment: The c.3258G>A variant (also known as p.A1086A), located in coding exon 41 of the COL5A1 gene, results from a G to A substitution at nucleotide position 3258. This nucleotide substitution does not change the alanine at codon 1086. However, this change occurs in the last base pair of coding exon 41, which makes it likely to have some effect on normal mRNA splicing. This nucleotide position is not well conserved in available vertebrate species. In silico splice site analysis for this alteration is inconclusive. Since supporting evidence is limited at this time, the clinical significance of this alteration remains unclear.

Literature cited by the submitters: PubMed 17576681 (cited by Labcorp Genetics (formerly Invitae), Labcorp); PubMed 9536098 (cited by Labcorp Genetics (formerly Invitae), Labcorp).